The following is an entry in ClinVar:

NM_003119.4(SPG7):c.197G>A (p.Arg66Lys)

Gene: SPG7 (SPG7 matrix AAA peptidase subunit, paraplegin; plus strand). Cytogenetic location: 16q24.3.
Variant type: single nucleotide variant.
Coding change: c.197G>A on transcript NM_003119.4 (MANE Select); coding-DNA position 197, G replaced by A.
Protein change: p.Arg66Lys; replaces arginine 66 with lysine.
Molecular consequence: missense variant.
Genome position (GRCh38, 1-based): chr16:89,510,503, G>A. VCF-style: chr16-89510503-G-A. GRCh37 (hg19) VCF-style: chr16-89576911-G-A.
Other names: c.197G>A, p.Arg66Lys (NM_001363850.1, NM_199367.3); short protein forms R66K.
Identifiers: ClinVar variation 3234655 (VCV003234655.20), dbSNP rs2058003980, ClinGen allele CA397416755.
Genomic context (GRCh38, chr16:89,510,503, plus strand): 5'-CTCTAATGTTGGTGTGACCTCCAGTATTGTTTTTTTTTTTTTTTCAGAGCTTACAATTGA[G>A]ACTGCTAACCCCTACCTTTGAAGGGATCAACGGATTGTTGTTGAAACAACATTTAGTTCA-3'
Protein context (NP_003110.1, residues 56-76): GGRALQSLQL[Arg66Lys]LLTPTFEGIN

ClinVar aggregate classification (germline): Uncertain significance (1 of 4 stars; one submission).

Allele frequency attached by ClinVar (database versions not stated): gnomAD exomes below 0.00001.
gnomAD v4.1: 1 of 1,525,314 alleles (0.000066%); highest among the groups gnomAD compares: Non-Finnish European, 0.000091%; no homozygotes.

Submission:

CeGaT Center for Human Genetics Tuebingen
Classification: Uncertain significance. Last evaluated: 2024-04-01. Review status: criteria provided, single submitter. Criteria: CeGaT Center For Human Genetics Tuebingen Variant Classification Criteria Version 2. Collection method: clinical testing. Allele origin: germline. Affected: yes. Observed: 1 variant allele.
Comment: SPG7: PM2